The following is an entry in ClinVar:

GRCh37/hg19 1p36.23(chr1:7526232-8290521)x1

Genes: CAMTA1 (calmodulin binding transcription activator 1; plus strand), ERRFI1 (ERBB receptor feedback inhibitor 1; minus strand), PARK7 (Parkinsonism associated deglycase; plus strand), PER3 (period circadian regulator 3; plus strand), TNFRSF9 (TNF receptor superfamily member 9; minus strand) and 2 more. Cytogenetic location: 1p36.23.
Variant type: copy number loss.
Change: copy number 1 (one copy instead of two) of chr1:7,526,232-8,290,521 (764.3 kb, GRCh37 coordinates, 1-based), cytogenetic band 1p36.23.
Identifiers: ClinVar variation 1808723 (VCV001808723.1).

ClinVar aggregate classification (germline): Pathogenic (1 of 4 stars; one submission).

Submission:

Quest Diagnostics Nichols Institute San Juan Capistrano
Classification: Pathogenic. Last evaluated: 2022-02-01. Review status: criteria provided, single submitter. Criteria: ACMG/ClinGen CNV Guidelines, 2019. Collection method: clinical testing. Allele origin: unknown.
Comment: This imbalance is expected to cause phenotypic and/or developmental abnormalities. The loss includes the CAMTA1 gene, among others. Loss-of-function variants of the CAMTA1 gene, which encodes a brain-specific calcium responsive transcription factor, is responsible for non-progressive congenital ataxias with or withouti ntellectual disability (OMIM 614756; Thevenon, et al., J Med Genet. 2012 Jun;49(6):400-8. PMID: 22693284. Magnin, et al., Brain Dev. 2014 Sep;36(8):711-5. PMID: 24145135).